The following is an entry in ClinVar:

ClinVar aggregate classification (germline): Uncertain significance. Review status: criteria provided, multiple submitters, no conflicts (2 of 4 stars). 2 submissions from 2 submitters: Uncertain significance (2). Last evaluated 2024-01-03.

Conditions:
Inborn genetic diseases. Identifiers: MedGen C0950123, MeSH D030342.

Allele frequency attached by ClinVar (database versions not stated): gnomAD exomes below 0.00001.
gnomAD v4.1: 4 of 1,614,062 alleles (0.00025%); highest among the groups gnomAD compares: Non-Finnish European, 0.00025%; no homozygotes.

Submissions (2):

Ambry Genetics
Classification: Uncertain significance for Inborn genetic diseases. Last evaluated: 2024-01-03. Review status: criteria provided, single submitter. Criteria: Ambry Variant Classification Scheme 2023. Collection method: clinical testing. Allele origin: germline.

Labcorp Genetics (formerly Invitae), Labcorp
Classification: Uncertain significance. Last evaluated: 2023-03-17. Review status: criteria provided, single submitter. Criteria: Invitae Variant Classification Sherloc (09022015). Collection method: clinical testing. Allele origin: germline.
Comment: In summary, the available evidence is currently insufficient to determine the role of this variant in disease. Therefore, it has been classified as a Variant of Uncertain Significance. Advanced modeling of protein sequence and biophysical properties (such as structural, functional, and spatial information, amino acid conservation, physicochemical variation, residue mobility, and thermodynamic stability) performed at Invitae indicates that this missense variant is not expected to disrupt MYO7A protein function. ClinVar contains an entry for this variant (Variation ID: 1421365). This variant has not been reported in the literature in individuals affected with MYO7A-related conditions. This variant is not present in population databases (gnomAD no frequency). This sequence change replaces glycine, which is neutral and non-polar, with arginine, which is basic and polar, at codon 2177 of the MYO7A protein (p.Gly2177Arg).

NM_000260.4(MYO7A):c.6529G>A (p.Gly2177Arg)

Gene: MYO7A (myosin VIIA; plus strand). Cytogenetic location: 11q13.5.
Variant type: single nucleotide variant.
Coding change: c.6529G>A on transcript NM_000260.4 (MANE Select); coding-DNA position 6529, G replaced by A.
Protein change: p.Gly2177Arg; replaces glycine 2177 with arginine.
Molecular consequence: missense variant.
Genome position (GRCh38, 1-based): chr11:77,213,950, G>A. VCF-style: chr11-77213950-G-A. GRCh37 (hg19) VCF-style: chr11-76924995-G-A.
Other names: c.6409G>A, p.Gly2137Arg (NM_001127180.2); c.6382G>A, p.Gly2128Arg (NM_001369365.1); c.6529G>A (NM_000260.3); short protein forms G2137R, G2128R, G2177R.
Identifiers: ClinVar variation 1421365 (VCV001421365.7), dbSNP rs2135802831, ClinGen allele CA381938161.